The following is an entry in ClinVar:

ClinVar aggregate classification (germline): Likely benign. Review status: criteria provided, multiple submitters, no conflicts (2 of 4 stars). 2 submissions from 2 submitters: Likely benign (2). Last evaluated 2025-03-19.

Allele frequency attached by ClinVar (database versions not stated): gnomAD exomes below 0.00001; TOPMed 0.00001.
gnomAD v4.1: 3 of 1,211,391 alleles (0.00025%); highest among the groups gnomAD compares: Middle Eastern, 0.046%; no homozygotes.

Submissions (2):

Labcorp Genetics (formerly Invitae), Labcorp
Classification: Likely benign. Last evaluated: 2025-03-19. Review status: criteria provided, single submitter. Criteria: Invitae Variant Classification Sherloc (09022015). Collection method: clinical testing. Allele origin: germline.

CeGaT Center for Human Genetics Tuebingen
Classification: Likely benign. Last evaluated: 2024-02-01. Review status: criteria provided, single submitter. Criteria: CeGaT Center For Human Genetics Tuebingen Variant Classification Criteria Version 2. Collection method: clinical testing. Allele origin: germline. Affected: yes. Observed: 1 variant allele.
Comment: HUWE1: BP4, BP7

NM_031407.7(HUWE1):c.4635T>C (p.Ala1545=)

Gene: HUWE1 (HECT, UBA and WWE domain containing E3 ubiquitin protein ligase 1; minus strand). Cytogenetic location: Xp11.22.
Variant type: single nucleotide variant.
Coding change: c.4635T>C on transcript NM_031407.7 (MANE Select); coding-DNA position 4635, T replaced by C.
Protein change: p.Ala1545=; no amino-acid change (alanine 1545 retained).
Molecular consequence: synonymous variant.
Genome position (GRCh38, 1-based): chrX:53,586,889, A>G on the plus strand (T>C on the coding strand, the complement: HUWE1 is on the minus strand). VCF-style: chrX-53586889-A-G. GRCh37 (hg19) VCF-style: chrX-53613849-A-G.
Identifiers: ClinVar variation 3025565 (VCV003025565.23), dbSNP rs1556973820, ClinGen allele CA516438646.
Genomic context (GRCh38, chrX:53,586,889, plus strand): 5'-CTGAACCACTTCCAAGAGTTTGATTAGGACATTAAGGATGCCACTTGATTCAACCACCCA[A>G]GCACAAGGTAGCTTCAACTCCTGATAGATCAAAGGGAAAAAACAACAACAACCAGATACC-3'
Protein context (NP_113584.3, residues 1535-1555): LLFEELKLPC[Ala1545=]WVVESSGILN